The following is an entry in ClinVar:

NM_004984.4(KIF5A):c.1491C>G (p.Asn497Lys)

Gene: KIF5A (kinesin family member 5A; plus strand). Cytogenetic location: 12q13.3.
Variant type: single nucleotide variant.
Coding change: c.1491C>G on transcript NM_004984.4 (MANE Select); coding-DNA position 1491, C replaced by G.
Protein change: p.Asn497Lys; replaces asparagine 497 with lysine.
Molecular consequence: missense variant.
Genome position (GRCh38, 1-based): chr12:57,572,189, C>G. VCF-style: chr12-57572189-C-G. GRCh37 (hg19) VCF-style: chr12-57965972-C-G.
Other names: c.1224C>G, p.Asn408Lys (NM_001354705.2); short protein forms N408K, N497K.
Identifiers: ClinVar variation 3254546 (VCV003254546.1), dbSNP rs2540504176.

ClinVar aggregate classification (germline): Uncertain significance (1 of 4 stars; one submission).

Conditions:
Hereditary spastic paraplegia 10 (SPG10). Also called: SPASTIC PARAPLEGIA 10, AUTOSOMAL DOMINANT; SPASTIC PARAPLEGIA 10 WITH OR WITHOUT PERIPHERAL NEUROPATHY; SPASTIC PARAPLEGIA 10 WITH PERIPHERAL NEUROPATHY. Identifiers: Orphanet 100991, MedGen C1858712, MONDO:0011408, OMIM 604187.

Submission:

Victorian Clinical Genetics Services, Murdoch Childrens Research Institute
Classification: Uncertain significance for Hereditary spastic paraplegia 10. Last evaluated: 2023-12-21. Review status: criteria provided, single submitter. Criteria: ACMG Guidelines, 2015. Collection method: clinical testing. Allele origin: germline. Inheritance: Autosomal dominant inheritance. Affected: yes.
Comment: Based on the classification scheme VCGS_Germline_v1.3.4, this variant is classified as VUS-3C. Following criteria are met: 0103 - Loss of function is a known mechanism, and dominant negative is a likely mechanism of disease in this gene and is associated with myoclonus, intractable, neonatal (NEIMY; MIM#617235) and spastic paraplegia 10 (SPG10; MIM#604187). Missense variants have been described in individuals with SPG10, whereas truncating variants in the last exon, or those resulting in protein elongation, have been reported in NEIMY cases (PMID: 18203753, PMID: 27463701, PMID: 28678816). (I) 0107 - This gene is associated with autosomal dominant disease. (I) 0200 - Variant is predicted to result in a missense amino acid change from asparagine to lysine. (I) 0251 - This variant is heterozygous. (I) 0301 - Variant is absent from gnomAD (both v2 and v3). (SP) 0501 - Missense variant consistently predicted to be damaging by multiple in silico tools or highly conserved with a major amino acid change. (SP) 0603 - Missense variant in a region that is highly intolerant to missense variation (high constraint region in DECIPHER). (SP) 0705 - No comparable missense variants have previous evidence for pathogenicity. (I) 0807 - This variant has no previous evidence of pathogenicity. (I) 0905 - No published segregation evidence has been identified for this variant. (I) 1007 - No published functional evidence has been identified for this variant. (I) 1102 - Strong phenotype match for this individual. (I) Legend: (SP) - Supporting pathogenic, (I) - Information, (SB) - Supporting benign

Literature cited by the submitters: PubMed 18203753; PubMed 27463701; PubMed 28678816.